The following is an entry in ClinVar:

NM_000460.4(THPO):c.482G>A (p.Arg161His)

Gene: THPO (thrombopoietin; minus strand). Cytogenetic location: 3q27.1.
Variant type: single nucleotide variant.
Coding change: c.482G>A on transcript NM_000460.4 (MANE Select); coding-DNA position 482, G replaced by A.
Protein change: p.Arg161His; replaces arginine 161 with histidine.
Molecular consequence: missense variant. On other transcripts: synonymous variant (2), intron variant (2).
Genome position (GRCh38, 1-based): chr3:184,373,093, C>T on the plus strand (G>A on the coding strand, the complement: THPO is on the minus strand). VCF-style: chr3-184373093-C-T. GRCh37 (hg19) VCF-style: chr3-184090881-C-T.
Other names: c.470G>A, p.Arg157His (NM_001177597.2, NM_001290022.1); c.465G>A, p.Ala155= (NM_001177598.2, NM_001290026.1); c.482G>A, p.Arg161His (NM_001289998.1, NM_001290028.1); c.902G>A, p.Arg301His (NM_001290003.1); c.477+5G>A (NM_001290027.1, NM_001289997.1); short protein forms R157H, R161H, R301H.
Identifiers: ClinVar variation 2442041 (VCV002442041.2), dbSNP rs149021319, ClinGen allele CA2734934.

ClinVar aggregate classification (germline): Uncertain significance. Review status: criteria provided, multiple submitters, no conflicts (2 of 4 stars). 2 submissions from 2 submitters: Uncertain significance (2). Last evaluated 2025-09-21.

Conditions:
Thrombocythemia 1 (THCYT1). Also called: THROMBOCYTOSIS 1; THROMBOCYTHEMIA, SOMATIC. Identifiers: MedGen C3277671, MONDO:0008554, OMIM 187950.

Allele frequency attached by ClinVar (database versions not stated): ExAC 0.00002; gnomAD 0.00002; TOPMed 0.00002; gnomAD exomes 0.00005; ESP Exome Variant Server 0.00008.
gnomAD v4.1: 81 of 1,613,934 alleles (0.005%); highest among the groups gnomAD compares: Non-Finnish European, 0.0057%; no homozygotes.

Submissions (2):

Labcorp Genetics (formerly Invitae), Labcorp
Classification: Uncertain significance. Last evaluated: 2025-09-21. Review status: criteria provided, single submitter. Criteria: Invitae Variant Classification Sherloc (09022015). Collection method: clinical testing. Allele origin: germline.
Comment: This sequence change replaces arginine, which is basic and polar, with histidine, which is basic and polar, at codon 161 of the THPO protein (p.Arg161His). This variant is present in population databases (rs149021319, gnomAD 0.005%). This variant has not been reported in the literature in individuals affected with THPO-related conditions. ClinVar contains an entry for this variant (Variation ID: 2442041). Invitae Evidence Modeling of protein sequence and biophysical properties (such as structural, functional, and spatial information, amino acid conservation, physicochemical variation, residue mobility, and thermodynamic stability) indicates that this missense variant is not expected to disrupt THPO protein function with a negative predictive value of 80%. Algorithms developed to predict the effect of sequence changes on RNA splicing suggest that this variant may disrupt the consensus splice site. In summary, the available evidence is currently insufficient to determine the role of this variant in disease. Therefore, it has been classified as a Variant of Uncertain Significance.

Baylor Genetics
Classification: Uncertain significance for Thrombocythemia 1. Last evaluated: 2021-01-26. Review status: criteria provided, single submitter. Criteria: ACMG Guidelines, 2015. Collection method: clinical testing. Allele origin: unknown.